The following is an entry in ClinVar:

NM_001854.4(COL11A1):c.4363C>T (p.Pro1455Ser)

Gene: COL11A1 (collagen type XI alpha 1 chain; minus strand). Cytogenetic location: 1p21.1.
Variant type: single nucleotide variant.
Coding change: c.4363C>T on transcript NM_001854.4 (MANE Select); coding-DNA position 4363, C replaced by T.
Protein change: p.Pro1455Ser; replaces proline 1455 with serine.
Molecular consequence: missense variant. On other transcripts: non-coding transcript variant (1).
Genome position (GRCh38, 1-based): chr1:102,889,556, G>A on the plus strand (C>T on the coding strand, the complement: COL11A1 is on the minus strand). VCF-style: chr1-102889556-G-A. GRCh37 (hg19) VCF-style: chr1-103355112-G-A.
Other names: c.4246C>T, p.Pro1416Ser (NM_001190709.2); c.4399C>T, p.Pro1467Ser (NM_080629.3); c.4015C>T, p.Pro1339Ser (NM_080630.4); short protein forms P1339S, P1416S, P1455S, P1467S.
Identifiers: ClinVar variation 1216604 (VCV001216604.5), dbSNP rs184965786, ClinGen allele CA973556.

ClinVar aggregate classification (germline): Conflicting classifications of pathogenicity. Review status: criteria provided, conflicting classifications (1 of 4 stars). 2 submissions from 2 submitters: Uncertain significance (1); Likely benign (1). Last evaluated 2025-12-29.

Allele frequency attached by ClinVar (database versions not stated): gnomAD 0.00001; gnomAD exomes 0.00001 and 0.00002; ExAC 0.00002; 1000 Genomes Project 30x 0.00016; 1000 Genomes Project 0.00020.
gnomAD v4.1: 9 of 1,612,556 alleles (0.00056%); highest among the groups gnomAD compares: East Asian, 0.02%; no homozygotes.

Submissions (2):

Labcorp Genetics (formerly Invitae), Labcorp
Classification: Likely benign. Last evaluated: 2025-12-29. Review status: criteria provided, single submitter. Criteria: Invitae Variant Classification Sherloc (09022015). Collection method: clinical testing. Allele origin: germline.

GeneDx
Classification: Uncertain significance. Last evaluated: 2025-12-05. Review status: criteria provided, single submitter. Criteria: GeneDx Variant Classification Process June 2021. Collection method: clinical testing. Allele origin: germline. Affected: yes.
Comment: In silico analysis supports that this missense variant has a deleterious effect on protein structure/function; Not observed at significant frequency in large population cohorts (gnomAD); Identified in a cohort of patients with hearing loss in published literature (PMID: 36597107); This variant is associated with the following publications: (PMID: 36597107)